The following is an entry in ClinVar:

ClinVar aggregate classification (germline): Uncertain significance (1 of 4 stars; one submission).

gnomAD v4.1: 15 of 1,538,260 alleles (0.00098%); highest among the groups gnomAD compares: African/African-American, 0.0014%; no homozygotes.

Submission:

Labcorp Genetics (formerly Invitae), Labcorp
Classification: Uncertain significance. Last evaluated: 2022-07-07. Review status: criteria provided, single submitter. Criteria: Invitae Variant Classification Sherloc (09022015). Collection method: clinical testing. Allele origin: germline.
Comment: This variant is present in population databases (no rsID available, gnomAD 0.004%). In summary, the available evidence is currently insufficient to determine the role of this variant in disease. Therefore, it has been classified as a Variant of Uncertain Significance. Advanced modeling of protein sequence and biophysical properties (such as structural, functional, and spatial information, amino acid conservation, physicochemical variation, residue mobility, and thermodynamic stability) performed at Invitae indicates that this missense variant is not expected to disrupt POC1B protein function. This variant has not been reported in the literature in individuals affected with POC1B-related conditions. This sequence change replaces arginine, which is basic and polar, with leucine, which is neutral and non-polar, at codon 148 of the POC1B protein (p.Arg148Leu).

NM_172240.3(POC1B):c.443G>T (p.Arg148Leu)

Genes: POC1B (POC1 centriolar protein B; minus strand), POC1B-DUSP6 (POC1B-DUSP6 readthrough; minus strand). Cytogenetic location: 12q21.33.
Variant type: single nucleotide variant.
Coding change: c.443G>T on transcript NM_172240.3 (MANE Select); coding-DNA position 443, G replaced by T.
Protein change: p.Arg148Leu; replaces arginine 148 with leucine.
Molecular consequence: missense variant. On other transcripts: non-coding transcript variant (2).
Genome position (GRCh38, 1-based): chr12:89,491,945, C>A on the plus strand (G>T on the coding strand, the complement: POC1B is on the minus strand). VCF-style: chr12-89491945-C-A. GRCh37 (hg19) VCF-style: chr12-89885722-C-A.
Other names: c.317G>T, p.Arg106Leu (NM_001199777.2); short protein forms R106L, R148L.
Identifiers: ClinVar variation 2007477 (VCV002007477.4), dbSNP rs774587323, ClinGen allele CA385991554.